The following is an entry in ClinVar:

NM_170601.5(SIAE):c.1236del (p.Ile412fs)

Gene: SIAE (sialic acid acetylesterase; minus strand). Cytogenetic location: 11q24.2.
Variant type: Deletion.
Coding change: c.1236del on transcript NM_170601.5 (MANE Select); coding-DNA position 1236, one base deleted (A; older notation c.1236delA).
Protein change: p.Ile412fs; shifts the reading frame from isoleucine 412.
Molecular consequence: frameshift variant.
Genome position (GRCh38, 1-based): chr11:124,638,626, T deleted on the plus strand (A on the coding strand, the reverse complement: SIAE is on the minus strand). VCF-style (leftmost placement, unchanged base first): chr11-124638625-CT-C. GRCh37 (hg19) VCF-style: chr11-124508521-CT-C.
Other names: c.1131del, p.Ile377fs (NM_001199922.2); short protein forms I377fs, I412fs.
Identifiers: ClinVar variation 4726608 (VCV004726608.1).

ClinVar aggregate classification (germline): Uncertain significance (1 of 4 stars; one submission).

Submission:

Labcorp Genetics (formerly Invitae), Labcorp
Classification: Uncertain significance. Last evaluated: 2025-09-15. Review status: criteria provided, single submitter. Criteria: Invitae Variant Classification Sherloc (09022015). Collection method: clinical testing. Allele origin: germline.
Comment: This sequence change creates a premature translational stop signal (p.Ile412Metfs*45) in the SIAE gene. While this is not anticipated to result in nonsense mediated decay, it is expected to disrupt the last 112 amino acid(s) of the SIAE protein. This variant is not present in population databases (gnomAD no frequency). This variant has not been reported in the literature in individuals affected with SIAE-related conditions. Experimental studies and prediction algorithms are not available or were not evaluated, and the functional significance of this variant is currently unknown. In summary, the available evidence is currently insufficient to determine the role of this variant in disease. Therefore, it has been classified as a Variant of Uncertain Significance.